The following is an entry in ClinVar:

ClinVar aggregate classification (germline): Uncertain significance (1 of 4 stars; one submission).

Conditions:
Hereditary cancer-predisposing syndrome. Also called: Tumor predisposition; Neoplastic Syndromes, Hereditary; Hereditary neoplastic syndrome; Hereditary Cancer Syndrome. Identifiers: Orphanet 140162, MedGen C0027672, MeSH D009386, MONDO:0015356.

Submission:

Ambry Genetics
Classification: Uncertain significance for Hereditary cancer-predisposing syndrome. Last evaluated: 2025-08-27. Review status: criteria provided, single submitter. Criteria: Ambry Variant Classification Scheme 2023. Collection method: clinical testing. Allele origin: germline.
Comment: The p.S518I variant (also known as c.1553G>T), located in coding exon 16 of the MUTYH gene, results from a G to T substitution at nucleotide position 1553. The serine at codon 518 is replaced by isoleucine, an amino acid with dissimilar properties. This amino acid position is conserved. In addition, this alteration is predicted to be tolerated by in silico analysis. Based on the available evidence, the clinical significance of this variant remains unclear.

NM_001048174.2(MUTYH):c.1469G>T (p.Ser490Ile)

Gene: MUTYH (mutY DNA glycosylase; minus strand). Cytogenetic location: 1p34.1.
Variant type: single nucleotide variant.
Coding change: c.1469G>T on transcript NM_001048174.2 (MANE Select); coding-DNA position 1469, G replaced by T.
Protein change: p.Ser490Ile; replaces serine 490 with isoleucine.
Molecular consequence: missense variant. On other transcripts: non-coding transcript variant (7).
Genome position (GRCh38, 1-based): chr1:45,329,403, C>A on the plus strand (G>T on the coding strand, the complement: MUTYH is on the minus strand). VCF-style: chr1-45329403-C-A. GRCh37 (hg19) VCF-style: chr1-45795075-C-A.
Other names: c.1502G>T, p.Ser501Ile (NM_001407077.1, NM_001407069.1, NM_001293191.2); c.1472G>T, p.Ser491Ile (NM_001407078.1, NM_001407086.1, NM_001407071.1 and 1 more transcripts); c.1544G>T, p.Ser515Ile (NM_012222.3); c.1430G>T, p.Ser477Ile (NM_001407079.1); c.1427G>T, p.Ser476Ile (NM_001407080.1); c.1469G>T, p.Ser490Ile (NM_001407081.1, NM_001407088.1, NM_001407089.1 and 6 more transcripts); c.1124G>T, p.Ser375Ile (NM_001407082.1, NM_001350651.2, NM_001350650.2); c.1511G>T, p.Ser504Ile (NM_001407083.1, NM_001407085.1); and 5 more; short protein forms S501I, S375I, S490I, S505I, S515I, S398I, S462I, S491I.
Identifiers: ClinVar variation 4113355 (VCV004113355.1).